The following is an entry in ClinVar:

NM_003835.4(RGS9):c.233T>C (p.Val78Ala)

Gene: RGS9 (regulator of G protein signaling 9; plus strand). Cytogenetic location: 17q24.1.
Variant type: single nucleotide variant.
Coding change: c.233T>C on transcript NM_003835.4 (MANE Select); coding-DNA position 233, T replaced by C.
Protein change: p.Val78Ala; replaces valine 78 with alanine.
Molecular consequence: missense variant.
Genome position (GRCh38, 1-based): chr17:65,160,260, T>C. VCF-style: chr17-65160260-T-C. GRCh37 (hg19) VCF-style: chr17-63156378-T-C.
Other names: c.233T>C, p.Val78Ala (NM_001081955.3, NM_001165933.2); short protein forms V78A.
Identifiers: ClinVar variation 1425597 (VCV001425597.6), dbSNP rs2143992723, ClinGen allele CA400664265.

ClinVar aggregate classification (germline): Uncertain significance (1 of 4 stars; one submission).

Submission:

Labcorp Genetics (formerly Invitae), Labcorp
Classification: Uncertain significance. Last evaluated: 2021-11-11. Review status: criteria provided, single submitter. Criteria: Invitae Variant Classification Sherloc (09022015). Collection method: clinical testing. Allele origin: germline.
Comment: This variant is not present in population databases (gnomAD no frequency). In summary, the available evidence is currently insufficient to determine the role of this variant in disease. Therefore, it has been classified as a Variant of Uncertain Significance. Algorithms developed to predict the effect of missense changes on protein structure and function are either unavailable or do not agree on the potential impact of this missense change (SIFT: "Deleterious"; PolyPhen-2: "Probably Damaging"; Align-GVGD: "Class C0"). This variant has not been reported in the literature in individuals affected with RGS9-related conditions. This sequence change replaces valine, which is neutral and non-polar, with alanine, which is neutral and non-polar, at codon 78 of the RGS9 protein (p.Val78Ala).